The following is an entry in ClinVar:

ClinVar aggregate classification (germline): Uncertain significance (1 of 4 stars; one submission).

gnomAD v4.1: 1 of 1,614,140 alleles (0.000062%); highest among the groups gnomAD compares: African/African-American, 0.0013%; no homozygotes.

Submission:

GeneDx
Classification: Uncertain significance. Last evaluated: 2021-09-20. Review status: criteria provided, single submitter. Criteria: GeneDx Variant Classification Process June 2021. Collection method: clinical testing. Allele origin: germline. Affected: yes.
Comment: Not observed at significant frequency in large population cohorts (Lek et al., 2016); In silico analysis supports that this missense variant does not alter protein structure/function; Has not been previously published as pathogenic or benign to our knowledge

NM_020964.3(EPG5):c.748C>G (p.Leu250Val)

Gene: EPG5 (ectopic P-granules 5 autophagy tethering factor; minus strand). Cytogenetic location: 18q21.1.
Variant type: single nucleotide variant.
Coding change: c.748C>G on transcript NM_020964.3 (MANE Select); coding-DNA position 748, C replaced by G.
Protein change: p.Leu250Val; replaces leucine 250 with valine.
Molecular consequence: missense variant.
Genome position (GRCh38, 1-based): chr18:45,954,654, G>C on the plus strand (C>G on the coding strand, the complement: EPG5 is on the minus strand). VCF-style: chr18-45954654-G-C. GRCh37 (hg19) VCF-style: chr18-43534620-G-C.
Other names: short protein forms L250V.
Identifiers: ClinVar variation 1302425 (VCV001302425.2), dbSNP rs1472761578, ClinGen allele CA402351062.